The following is an entry in ClinVar:

ClinVar aggregate classification (germline): Uncertain significance (1 of 4 stars; one submission).

Conditions:
Brachyolmia-amelogenesis imperfecta syndrome. Also called: PLATYSPONDYLY WITH AMELOGENESIS IMPERFECTA; Tooth agenesis, selective, 6; Dental anomalies and short stature. Identifiers: Orphanet 2899, MedGen C1832594, MONDO:0011018, OMIM 601216. Disease mechanism: loss of function.

gnomAD v4.1: 1 of 1,551,022 alleles (0.000064%); highest among the groups gnomAD compares: Non-Finnish European, 0.000087%; no homozygotes.

Submission:

Labcorp Genetics (formerly Invitae), Labcorp
Classification: Uncertain significance for Brachyolmia-amelogenesis imperfecta syndrome. Last evaluated: 2025-07-13. Review status: criteria provided, single submitter. Criteria: Invitae Variant Classification Sherloc (09022015). Collection method: clinical testing. Allele origin: germline.
Comment: This sequence change replaces methionine, which is neutral and non-polar, with isoleucine, which is neutral and non-polar, at codon 551 of the LTBP3 protein (p.Met551Ile). This variant is not present in population databases (gnomAD no frequency). This variant has not been reported in the literature in individuals affected with LTBP3-related conditions. An algorithm developed to predict the effect of missense changes on protein structure and function outputs the following: PolyPhen-2: "Benign". The isoleucine amino acid residue is found in multiple mammalian species, which suggests that this missense change does not adversely affect protein function. In summary, the available evidence is currently insufficient to determine the role of this variant in disease. Therefore, it has been classified as a Variant of Uncertain Significance.

NM_001130144.3(LTBP3):c.1653G>A (p.Met551Ile)

Gene: LTBP3 (latent transforming growth factor beta binding protein 3; minus strand). Cytogenetic location: 11q13.1.
Variant type: single nucleotide variant.
Coding change: c.1653G>A on transcript NM_001130144.3 (MANE Select); coding-DNA position 1653, G replaced by A.
Protein change: p.Met551Ile; replaces methionine 551 with isoleucine.
Molecular consequence: missense variant.
Genome position (GRCh38, 1-based): chr11:65,551,193, C>T on the plus strand (G>A on the coding strand, the complement: LTBP3 is on the minus strand). VCF-style: chr11-65551193-C-T. GRCh37 (hg19) VCF-style: chr11-65318664-C-T.
Other names: c.1302G>A, p.Met434Ile (NM_001164266.1); c.1653G>A, p.Met551Ile (NM_021070.4); short protein forms M551I, M434I.
Identifiers: ClinVar variation 4723073 (VCV004723073.1).